The following is an entry in ClinVar:

NM_001754.5(RUNX1):c.1073C>A (p.Thr358Lys)

Gene: RUNX1 (RUNX family transcription factor 1; minus strand). Cytogenetic location: 21q22.12.
Variant type: single nucleotide variant.
Coding change: c.1073C>A on transcript NM_001754.5 (MANE Select); coding-DNA position 1073, C replaced by A.
Protein change: p.Thr358Lys; replaces threonine 358 with lysine.
Molecular consequence: missense variant.
Genome position (GRCh38, 1-based): chr21:34,792,505, G>T on the plus strand (C>A on the coding strand, the complement: RUNX1 is on the minus strand). VCF-style: chr21-34792505-G-T. GRCh37 (hg19) VCF-style: chr21-36164802-G-T.
Other names: NM_001754.5(RUNX1):c.1073C>A; p.Thr358Lys; c.992C>A, p.Thr331Lys (NM_001001890.3); short protein forms T331K, T358K.
Identifiers: ClinVar variation 965008 (VCV000965008.10), dbSNP rs962671280, ClinGen allele CA410148217.

ClinVar aggregate classification (germline): Uncertain significance. Review status: reviewed by expert panel (3 of 4 stars). 2 submissions from 2 submitters: Uncertain significance (1). 1 of the submissions does not count toward it. Last evaluated 2024-11-13.

Conditions:
Hereditary thrombocytopenia and hematological cancer predisposition syndrome associated with RUNX1. Also called: Familial Platelet Disorder with Propensity to Acute Myelogenous Leukemia; Familial thrombocytopenia with propensity to acute myelogenous leukemia; RUNX1 Familial Platelet Disorder with Associated Myeloid Malignancies; PLATELET DISORDER, ASPIRIN-LIKE. Identifiers: Orphanet 71290, MedGen C1832388, MeSH C563324, MONDO:0100083, OMIM 601399.
Hereditary thrombocytopenia and hematologic cancer predisposition syndrome. Identifiers: Orphanet 71290, MedGen CN281654, MONDO:0011071.

Allele frequency attached by ClinVar (database versions not stated): TOPMed below 0.00001; gnomAD 0.00001; gnomAD exomes 0.00001.
gnomAD v4.1: 9 of 1,600,010 alleles (0.00056%); highest among the groups gnomAD compares: Non-Finnish European, 0.00068%; no homozygotes.

Submissions (2):

ClinGen Myeloid Malignancy Variant Curation Expert Panel
Classification: Uncertain significance for Hereditary thrombocytopenia and hematologic cancer predisposition syndrome. Last evaluated: 2024-11-13. Review status: reviewed by expert panel. Criteria: ClinGen MyeloMalig ACMG Specifications v2. Collection method: curation. Allele origin: germline. Inheritance: Autosomal dominant inheritance.
Comment: NM_001754.5(RUNX1):c.1073C>A (p.Thr358Lys) is a missense variant which does not meet any ACMG/AMP criteria. In summary, the clinical significance of this variant is uncertain. ACMG/AMP criteria applied, as specified by the Myeloid Malignancy Variant Curation Expert Panel for RUNX1: None.

Labcorp Genetics (formerly Invitae), Labcorp
Classification: Uncertain significance for Hereditary thrombocytopenia and hematological cancer predisposition syndrome associated with RUNX1. Last evaluated: 2019-10-25. Review status: criteria provided, single submitter. Criteria: Invitae Variant Classification Sherloc (09022015). Collection method: clinical testing. Allele origin: germline. Not counted in ClinVar's aggregate classification.
Comment: This sequence change replaces threonine with lysine at codon 358 of the RUNX1 protein (p.Thr358Lys). The threonine residue is moderately conserved and there is a moderate physicochemical difference between threonine and lysine. In summary, the available evidence is currently insufficient to determine the role of this variant in disease. Therefore, it has been classified as a Variant of Uncertain Significance. Algorithms developed to predict the effect of sequence changes on RNA splicing suggest that this variant may create or strengthen a splice site, but this prediction has not been confirmed by published transcriptional studies. Algorithms developed to predict the effect of missense changes on protein structure and function are either unavailable or do not agree on the potential impact of this missense change (SIFT: "Tolerated"; PolyPhen-2: "Possibly Damaging"; Align-GVGD: "Class C0"). This variant has not been reported in the literature in individuals with RUNX1-related conditions. This variant is not present in population databases (ExAC no frequency).